The following is an entry in ClinVar:

ClinVar aggregate classification (germline): Uncertain significance (1 of 4 stars; one submission).

Conditions:
Hereditary cancer-predisposing syndrome. Also called: Neoplastic Syndromes, Hereditary; Tumor predisposition; Hereditary Cancer Syndrome; Hereditary neoplastic syndrome. Identifiers: Orphanet 140162, MedGen C0027672, MeSH D009386, MONDO:0015356.

Submission:

Ambry Genetics
Classification: Uncertain significance for Hereditary cancer-predisposing syndrome. Last evaluated: 2025-11-22. Review status: criteria provided, single submitter. Criteria: Ambry Variant Classification Scheme 2023. Collection method: clinical testing. Allele origin: germline.
Comment: The p.L1264P variant (also known as c.3791T>C), located in coding exon 8 of the MSH6 gene, results from a T to C substitution at nucleotide position 3791. The leucine at codon 1264 is replaced by proline, an amino acid with similar properties. This amino acid position is conserved. In addition, this alteration is predicted to be deleterious by in silico analysis. Based on the available evidence, the clinical significance of this variant remains unclear.

NM_000179.3(MSH6):c.3791T>C (p.Leu1264Pro)

Gene: MSH6 (mutS homolog 6; plus strand). Cytogenetic location: 2p16.3.
Variant type: single nucleotide variant.
Coding change: c.3791T>C on transcript NM_000179.3 (MANE Select); coding-DNA position 3791, T replaced by C.
Protein change: p.Leu1264Pro; replaces leucine 1264 with proline.
Molecular consequence: missense variant. On other transcripts: non-coding transcript variant (5).
Genome position (GRCh38, 1-based): chr2:47,806,348, T>C. VCF-style: chr2-47806348-T-C. GRCh37 (hg19) VCF-style: chr2-48033487-T-C.
Other names: c.3401T>C, p.Leu1134Pro (NM_001281492.2); c.2885T>C, p.Leu962Pro (NM_001281493.2, NM_001281494.2, NM_001406811.1 and 6 more transcripts); c.3887T>C, p.Leu1296Pro (NM_001406795.1, NM_001406802.1); c.3791T>C, p.Leu1264Pro (NM_001406796.1, NM_001406800.1, NM_001406808.1 and 1 more transcripts); c.3494T>C, p.Leu1165Pro (NM_001406797.1, NM_001406801.1, NM_001406805.1 and 10 more transcripts); c.3617T>C, p.Leu1206Pro (NM_001406798.1); c.3266T>C, p.Leu1089Pro (NM_001406799.1, NM_001406806.1, NM_001406807.1); c.2927T>C, p.Leu976Pro (NM_001406803.1); and 7 more; short protein forms L1134P, L1206P, L1296P, L191P, L742P, L976P, L1165P, L1208P.
Identifiers: ClinVar variation 4658209 (VCV004658209.1).